The following is an entry in ClinVar:

NM_000059.4(BRCA2):c.4311T>G (p.Ser1437Arg)

Gene: BRCA2 (BRCA2 DNA repair associated; plus strand). Cytogenetic location: 13q13.1.
Variant type: single nucleotide variant.
Coding change: c.4311T>G on transcript NM_000059.4 (MANE Select); coding-DNA position 4311, T replaced by G.
Protein change: p.Ser1437Arg; replaces serine 1437 with arginine.
Molecular consequence: missense variant.
Genome position (GRCh38, 1-based): chr13:32,338,666, T>G. VCF-style: chr13-32338666-T-G. GRCh37 (hg19) VCF-style: chr13-32912803-T-G.
Other names: short protein forms S1437R.
Identifiers: ClinVar variation 955913 (VCV000955913.11), dbSNP rs1228813196, ClinGen allele CA387780787.
Genomic context (GRCh38, chr13:32,338,666, plus strand): 5'-TATAAAAGATTTTGAGACTTCTGATACATTTTTTCAGACTGCAAGTGGGAAAAATATTAG[T>G]GTCGCCAAAGAGTCATTTAATAAAATTGTAAATTTCTTTGATCAGAAACCAGAAGAATTG-3'
Protein context (NP_000050.3, residues 1427-1447): FFQTASGKNI[Ser1437Arg]VAKESFNKIV

ClinVar aggregate classification (germline): Conflicting classifications of pathogenicity. Review status: criteria provided, conflicting classifications (1 of 4 stars). 2 submissions from 2 submitters: Uncertain significance (1); Likely benign (1). Last evaluated 2023-03-23.

Conditions:
Hereditary breast ovarian cancer syndrome. Also called: Hereditary breast and ovarian cancer; Hereditary breast and/or ovarian cancer syndrome; Hereditary breast and ovarian cancer syndrome; Hereditary breast and ovarian cancer syndrome (HBOC); Breast and ovarian cancer; BRCA1- and BRCA2-Associated Hereditary Breast and Ovarian Cancer. Identifiers: Orphanet 145, MedGen C0677776, MeSH D061325, MONDO:0003582. Disease mechanism: loss of function.
Hereditary cancer-predisposing syndrome. Also called: Hereditary neoplastic syndrome; Tumor predisposition; Neoplastic Syndromes, Hereditary; Hereditary Cancer Syndrome. Identifiers: Orphanet 140162, MedGen C0027672, MeSH D009386, MONDO:0015356.

Allele frequency attached by ClinVar (database versions not stated): gnomAD exomes below 0.00001.
gnomAD v4.1: 1 of 1,596,978 alleles (0.000063%); highest among the groups gnomAD compares: Non-Finnish European, 0.000086%; no homozygotes.

Submissions (2):

University of Washington Department of Laboratory Medicine, University of Washington
Classification: Likely benign for Hereditary cancer-predisposing syndrome. Last evaluated: 2023-03-23. Review status: criteria provided, single submitter. Criteria: Dines et al. (Genet Med. 2020). Collection method: curation. Allele origin: germline.
Comment: Missense variant in a coldspot region where missense variants are very unlikely to be pathogenic (PMID:31911673).

BRCA2 exon 11 coldspot. Reclassification based on statistical prior probability.

Labcorp Genetics (formerly Invitae), Labcorp
Classification: Uncertain significance for Hereditary breast ovarian cancer syndrome. Last evaluated: 2019-08-11. Review status: criteria provided, single submitter. Criteria: Invitae Variant Classification Sherloc (09022015). Collection method: clinical testing. Allele origin: germline.
Comment: In summary, the available evidence is currently insufficient to determine the role of this variant in disease. Therefore, it has been classified as a Variant of Uncertain Significance. Algorithms developed to predict the effect of missense changes on protein structure and function output the following: SIFT: "Tolerated"; PolyPhen-2: "Benign"; Align-GVGD: "Class C0". The arginine amino acid residue is found in multiple mammalian species, suggesting that this missense change does not adversely affect protein function. These predictions have not been confirmed by published functional studies and their clinical significance is uncertain. This variant has not been reported in the literature in individuals with BRCA2-related conditions. This variant is not present in population databases (ExAC no frequency). This sequence change replaces serine with arginine at codon 1437 of the BRCA2 protein (p.Ser1437Arg). The serine residue is weakly conserved and there is a moderate physicochemical difference between serine and arginine.